The following is an entry in ClinVar:

NM_001734.5(C1S):c.979G>C (p.Val327Leu)

Gene: C1S (complement C1s; plus strand). Cytogenetic location: 12p13.31.
Variant type: single nucleotide variant.
Coding change: c.979G>C on transcript NM_001734.5 (MANE Select); coding-DNA position 979, G replaced by C.
Protein change: p.Val327Leu; replaces valine 327 with leucine.
Molecular consequence: missense variant.
Genome position (GRCh38, 1-based): chr12:7,066,625, G>C. VCF-style: chr12-7066625-G-C. GRCh37 (hg19) VCF-style: chr12-7173929-G-C.
Other names: c.979G>C (NM_201442.3); c.478G>C, p.Val160Leu (NM_001346850.2); c.979G>C, p.Val327Leu (NM_201442.4); short protein forms V160L, V327L.
Identifiers: ClinVar variation 734395 (VCV000734395.47), dbSNP rs2239170, ClinGen allele CA6423630.

ClinVar aggregate classification (germline): Likely benign. Review status: criteria provided, multiple submitters, no conflicts (2 of 4 stars). 5 submissions from 5 submitters: Likely benign (4). 1 of the submissions does not count toward it. Last evaluated 2026-02-02.

Conditions:
Complement component C1s deficiency. Also called: C1s deficiency; Complement 1s deficiency. Identifiers: MedGen C3151078, MONDO:0013419, OMIM 613783.
Ehlers-Danlos syndrome, periodontal type 2. Identifiers: MedGen C4310681, MONDO:0014954, OMIM 617174.
C1S-related disorder. Also called: C1S-related condition.

Allele frequency attached by ClinVar (database versions not stated): ESP Exome Variant Server 0.00015; TOPMed 0.00025; gnomAD 0.00032 and 0.00059; gnomAD exomes 0.00099; 1000 Genomes Project 30x 0.00234; 1000 Genomes Project 0.00300.
gnomAD v4.1: 1,489 of 1,605,242 alleles (0.093%); highest among the groups gnomAD compares: East Asian, 3.1%; 46 homozygotes.

Submissions (5):

Labcorp Genetics (formerly Invitae), Labcorp
Classification: Likely benign. Last evaluated: 2026-02-02. Review status: criteria provided, single submitter. Criteria: Invitae Variant Classification Sherloc (09022015). Collection method: clinical testing. Allele origin: germline.

Blueprint Genetics
Classification: Likely benign. Last evaluated: 2024-10-21. Review status: criteria provided, single submitter. Criteria: ACMG Guidelines, 2015. Collection method: clinical testing. Allele origin: germline.

Fulgent Genetics
Classification: Likely benign for Complement component C1s deficiency; Ehlers-Danlos syndrome, periodontal type 2. Last evaluated: 2021-11-12. Review status: criteria provided, single submitter. Criteria: ACMG Guidelines, 2015. Collection method: clinical testing. Allele origin: unknown.

CeGaT Center for Human Genetics Tuebingen
Classification: Likely benign. Last evaluated: 2021-10-01. Review status: criteria provided, single submitter. Criteria: CeGaT Center For Human Genetics Tuebingen Variant Classification Criteria Version 2. Collection method: clinical testing. Allele origin: germline. Affected: yes. Observed: 1 variant allele.

PreventionGenetics, part of Exact Sciences
Classification: Likely benign for C1S-related condition. Last evaluated: 2022-03-31. Review status: no assertion criteria provided. Collection method: clinical testing. Allele origin: germline. Not counted in ClinVar's aggregate classification.
Comment: This variant is classified as likely benign based on ACMG/AMP sequence variant interpretation guidelines (Richards et al. 2015 PMID: 25741868, with internal and published modifications).